The following is an entry in ClinVar:

NM_002691.4(POLD1):c.594G>C (p.Met198Ile)

Gene: POLD1 (DNA polymerase delta 1, catalytic subunit; plus strand). Cytogenetic location: 19q13.33.
Variant type: single nucleotide variant.
Coding change: c.594G>C on transcript NM_002691.4 (MANE Select); coding-DNA position 594, G replaced by C.
Protein change: p.Met198Ile; replaces methionine 198 with isoleucine.
Molecular consequence: missense variant. On other transcripts: non-coding transcript variant (1).
Genome position (GRCh38, 1-based): chr19:50,402,209, G>C. VCF-style: chr19-50402209-G-C. GRCh37 (hg19) VCF-style: chr19-50905466-G-C.
Other names: c.594G>C, p.Met198Ile (NM_001256849.1, NM_001308632.1); short protein forms M198I.
Identifiers: ClinVar variation 657555 (VCV000657555.8), dbSNP rs1568619850, ClinGen allele CA406973731.

ClinVar aggregate classification (germline): Uncertain significance (1 of 4 stars; one submission).

Conditions:
POLD1-related polyposis and colorectal cancer syndrome (CRCS10). Also called: Colorectal cancer, susceptibility to, 10; Colorectal cancer 10; COLORECTAL CANCER, SUSCEPTIBILITY TO, ON CHROMOSOME 19q. Identifiers: Orphanet 220460, MedGen C2675481, MONDO:0012953, OMIM 612591.

Submission:

Labcorp Genetics (formerly Invitae), Labcorp
Classification: Uncertain significance for POLD1-related polyposis and colorectal cancer syndrome. Last evaluated: 2018-08-13. Review status: criteria provided, single submitter. Criteria: Invitae Variant Classification Sherloc (09022015). Collection method: clinical testing. Allele origin: germline.
Comment: This sequence change replaces methionine with isoleucine at codon 198 of the POLD1 protein (p.Met198Ile). The methionine residue is moderately conserved and there is a small physicochemical difference between methionine and isoleucine. This variant is not present in population databases (ExAC no frequency). This variant has not been reported in the literature in individuals with POLD1-related disease. Algorithms developed to predict the effect of missense changes on protein structure and function (SIFT, PolyPhen-2, Align-GVGD) all suggest that this variant is likely to be tolerated, but these predictions have not been confirmed by published functional studies and their clinical significance is uncertain. In summary, the available evidence is currently insufficient to determine the role of this variant in disease. Therefore, it has been classified as a Variant of Uncertain Significance.